The following is an entry in ClinVar:

ClinVar aggregate classification (germline): Uncertain significance (1 of 4 stars; one submission).

Submission:

GeneDx
Classification: Uncertain significance. Last evaluated: 2024-06-24. Review status: criteria provided, single submitter. Criteria: GeneDx Variant Classification Process June 2021. Collection method: clinical testing. Allele origin: germline. Affected: yes.
Comment: Not observed at significant frequency in large population cohorts (gnomAD); In silico analysis supports that this missense variant has a deleterious effect on protein structure/function; Has not been previously published as pathogenic or benign to our knowledge

NM_012281.3(KCND2):c.225C>A (p.Phe75Leu)

Gene: KCND2 (potassium voltage-gated channel subfamily D member 2; plus strand). Cytogenetic location: 7q31.31.
Variant type: single nucleotide variant.
Coding change: c.225C>A on transcript NM_012281.3 (MANE Select); coding-DNA position 225, C replaced by A.
Protein change: p.Phe75Leu; replaces phenylalanine 75 with leucine.
Molecular consequence: missense variant.
Genome position (GRCh38, 1-based): chr7:120,274,857, C>A. VCF-style: chr7-120274857-C-A. GRCh37 (hg19) VCF-style: chr7-119914911-C-A.
Other names: short protein forms F75L.
Identifiers: ClinVar variation 3392850 (VCV003392850.1).